The following is an entry in ClinVar:

NM_000744.7(CHRNA4):c.669C>T (p.Tyr223=)

Gene: CHRNA4 (cholinergic receptor nicotinic alpha 4 subunit; minus strand). Cytogenetic location: 20q13.33.
Variant type: single nucleotide variant.
Coding change: c.669C>T on transcript NM_000744.7 (MANE Select); coding-DNA position 669, C replaced by T.
Protein change: p.Tyr223=; no amino-acid change (tyrosine 223 retained).
Molecular consequence: synonymous variant. On other transcripts: non-coding transcript variant (1).
Genome position (GRCh38, 1-based): chr20:63,350,742, G>A on the plus strand (C>T on the coding strand, the complement: CHRNA4 is on the minus strand). VCF-style: chr20-63350742-G-A. GRCh37 (hg19) VCF-style: chr20-61982094-G-A.
Other names: c.141C>T, p.Tyr47= (NM_001256573.2).
Identifiers: ClinVar variation 698805 (VCV000698805.40), dbSNP rs79068736, ClinGen allele CA9957757.

ClinVar aggregate classification (germline): Likely benign. Review status: criteria provided, multiple submitters, no conflicts (2 of 4 stars). 2 submissions from 2 submitters: Likely benign (2). Last evaluated 2025-05-07.

Conditions:
Familial sleep-related hypermotor epilepsy. Also called: Autosomal Dominant Sleep-Related Hypermotor (Hyperkinetic) Epilepsy. Identifiers: Orphanet 98784, MedGen C3696898, MONDO:0000030.

Allele frequency attached by ClinVar (database versions not stated): gnomAD 0.00004 and 0.00005; TOPMed 0.00004; gnomAD exomes 0.00005 and 0.00013; ExAC 0.00014.
gnomAD v4.1: 79 of 1,575,738 alleles (0.005%); highest among the groups gnomAD compares: South Asian, 0.061%; 2 homozygotes.

Submissions (2):

Labcorp Genetics (formerly Invitae), Labcorp
Classification: Likely benign. Last evaluated: 2025-05-07. Review status: criteria provided, single submitter. Criteria: Invitae Variant Classification Sherloc (09022015). Collection method: clinical testing. Allele origin: germline.

CeGaT Center for Human Genetics Tuebingen
Classification: Likely benign. Last evaluated: 2022-08-01. Review status: criteria provided, single submitter. Criteria: CeGaT Center For Human Genetics Tuebingen Variant Classification Criteria Version 2. Collection method: clinical testing. Allele origin: germline. Affected: yes. Observed: 1 variant allele.
Comment: CHRNA4: BP4, BP7